The following is an entry in ClinVar:

NM_213599.3(ANO5):c.739T>C (p.Ser247Pro)

Gene: ANO5 (anoctamin 5; plus strand). Cytogenetic location: 11p14.3.
Variant type: single nucleotide variant.
Coding change: c.739T>C on transcript NM_213599.3 (MANE Select); coding-DNA position 739, T replaced by C.
Protein change: p.Ser247Pro; replaces serine 247 with proline.
Molecular consequence: missense variant. On other transcripts: intron variant (2).
Genome position (GRCh38, 1-based): chr11:22,236,253, T>C. VCF-style: chr11-22236253-T-C. GRCh37 (hg19) VCF-style: chr11-22257799-T-C.
Other names: c.736T>C, p.Ser246Pro (NM_001142649.2); c.697T>C, p.Ser233Pro (NM_001410963.1, NM_001441300.1); c.694T>C, p.Ser232Pro (NM_001410964.1, NM_001441301.1); c.661T>C, p.Ser221Pro (NM_001441294.1); c.658T>C, p.Ser220Pro (NM_001441295.1); c.646T>C, p.Ser216Pro (NM_001441296.1, NM_001441302.1); c.619T>C, p.Ser207Pro (NM_001441297.1); c.607-3316T>C (NM_001441298.1); and 1 more; short protein forms S207P, S216P, S220P, S221P, S232P, S233P, S246P, S247P.
Identifiers: ClinVar variation 4292592 (VCV004292592.2).

ClinVar aggregate classification (germline): Uncertain significance. Review status: criteria provided, multiple submitters, no conflicts (2 of 4 stars). 2 submissions from 2 submitters: Uncertain significance (2). Last evaluated 2025-03-12.

Conditions:
Gnathodiaphyseal dysplasia (GDD). Also called: GNATHODIAPHYSEAL SCLEROSIS; OSTEOGENESIS IMPERFECTA WITH UNUSUAL SKELETAL LESIONS. Identifiers: Orphanet 53697, MedGen C1833736, MONDO:0008151, OMIM 166260.
Autosomal recessive limb-girdle muscular dystrophy type 2L (LGMDR12). Also called: Limb-girdle muscular dystrophy, type 2L; MUSCULAR DYSTROPHY, LIMB-GIRDLE, AUTOSOMAL RECESSIVE 12; Limb-Girdle Muscular Dystrophy R12 Anoctamin-5-Related (LGMD-R12). Identifiers: Orphanet 206549, MedGen C1969785, MONDO:0012652, OMIM 611307.
ANO5-related disorder. Also called: ANO5-related condition; ANO5-related disorders. Identifiers: MedGen CN239193.

gnomAD v4.1: 9 of 1,612,590 alleles (0.00056%); highest among the groups gnomAD compares: East Asian, 0.016%; no homozygotes.

Submissions (2):

Labcorp Genetics (formerly Invitae), Labcorp
Classification: Uncertain significance for Autosomal recessive limb-girdle muscular dystrophy type 2L; Gnathodiaphyseal dysplasia. Last evaluated: 2025-03-12. Review status: criteria provided, single submitter. Criteria: Invitae Variant Classification Sherloc (09022015). Collection method: clinical testing. Allele origin: germline.
Comment: This sequence change replaces serine, which is neutral and polar, with proline, which is neutral and non-polar, at codon 247 of the ANO5 protein (p.Ser247Pro). This variant is present in population databases (no rsID available, gnomAD 0.0009%). This variant has not been reported in the literature in individuals affected with ANO5-related conditions. Invitae Evidence Modeling of protein sequence and biophysical properties (such as structural, functional, and spatial information, amino acid conservation, physicochemical variation, residue mobility, and thermodynamic stability) has been performed for this missense variant. However, the output from this modeling did not meet the statistical confidence thresholds required to predict the impact of this variant on ANO5 protein function. In summary, the available evidence is currently insufficient to determine the role of this variant in disease. Therefore, it has been classified as a Variant of Uncertain Significance.

3billion
Classification: Uncertain significance for ANO5-related disorder. Last evaluated: 2024-06-14. Review status: criteria provided, single submitter. Criteria: ACMG Guidelines, 2015. Collection method: clinical testing. Allele origin: germline. Affected: yes.
Comment: The variant is observed at an extremely low frequency in the gnomAD v4.0.0 dataset (total allele frequency: <0.001%). Predicted Consequence/Location: The majority of the known disease-causing variants of this gene are variants expected to result in premature termination of the protein. In silico tool predictions suggest damaging effect of the variant on gene or gene product [3Cnet: 0.75 (>=0.6, sensitivity 0.72 and precision 0.9)]. Therefore, this variant is classified as VUS according to the recommendation of ACMG/AMP guideline.